The following is an entry in ClinVar:

NM_001128840.3(CACNA1D):c.1477T>A (p.Cys493Ser)

Gene: CACNA1D (calcium voltage-gated channel subunit alpha1 D; plus strand). Cytogenetic location: 3p21.1.
Variant type: single nucleotide variant.
Coding change: c.1477T>A on transcript NM_001128840.3 (MANE Select); coding-DNA position 1477, T replaced by A.
Protein change: p.Cys493Ser; replaces cysteine 493 with serine.
Molecular consequence: missense variant.
Genome position (GRCh38, 1-based): chr3:53,718,387, T>A. VCF-style: chr3-53718387-T-A. GRCh37 (hg19) VCF-style: chr3-53752414-T-A.
Other names: c.1477T>A (NM_000720.3); c.1477T>A, p.Trp493Arg (NM_000720.4); c.1477T>A, p.Cys493Ser (NM_001128839.3); short protein forms W493R, C493S.
Identifiers: ClinVar variation 504803 (VCV000504803.16), dbSNP rs139380111, ClinGen allele CA2453957.

ClinVar aggregate classification (germline): Conflicting classifications of pathogenicity. Review status: criteria provided, conflicting classifications (1 of 4 stars). 4 submissions from 4 submitters: Uncertain significance (2); Likely benign (1). 1 of the submissions does not count toward it. Last evaluated 2026-02-01.

Conditions:
CACNA1D-related disorder.

Allele frequency attached by ClinVar (database versions not stated): gnomAD exomes 0.00005 and 0.00013; 1000 Genomes Project 30x 0.00016; ExAC 0.00017; 1000 Genomes Project 0.00020; gnomAD 0.00033 and 0.00037; TOPMed 0.00045; ESP Exome Variant Server 0.00077.
gnomAD v4.1: 117 of 1,613,218 alleles (0.0073%); highest among the groups gnomAD compares: African/African-American, 0.15%; no homozygotes.

Submissions (4):

Labcorp Genetics (formerly Invitae), Labcorp
Classification: Uncertain significance. Last evaluated: 2026-02-01. Review status: criteria provided, single submitter. Criteria: Invitae Variant Classification Sherloc (09022015). Collection method: clinical testing. Allele origin: germline.
Comment: This sequence change replaces tryptophan, which is neutral and slightly polar, with arginine, which is basic and polar, at codon 493 of the CACNA1D protein (p.Trp493Arg). This variant is present in population databases (rs139380111, gnomAD 0.2%). This variant has not been reported in the literature in individuals affected with CACNA1D-related conditions. ClinVar contains an entry for this variant (Variation ID: 504803). An algorithm developed to predict the effect of missense changes on protein structure and function (PolyPhen-2) suggests that this variant is likely to be disruptive. In summary, the available evidence is currently insufficient to determine the role of this variant in disease. Therefore, it has been classified as a Variant of Uncertain Significance.

Laboratory for Molecular Medicine, Mass General Brigham Personalized Medicine
Classification: Uncertain significance. Last evaluated: 2022-02-15. Review status: criteria provided, single submitter. Criteria: ACMG Guidelines, 2015. Collection method: clinical testing. Allele origin: germline.
Comment: The p.Trp493Arg variant in CACNA1D has not been previously reported in individuals with hearing loss, but has been identified in 0.2% (46/240954) of African chromosomes by gnomAD. However, this frequency is low enough to be consistent with a recessive allele frequency. This variant is located in the last three bases of the exon, which is part of the 5' splice region. Computational tools do not suggest an impact to splicing. However, this information is not predictive enough to rule out pathogenicity. Additional computational prediction tools and conservation analyses suggest that this variant may not impact the protein, though this information is not predictive enough to rule out pathogenicity. In summary, while the clinical significance of this variant is uncertain, these data suggest that it is more likely to be benign. ACMG/AMP Criteria applied: BP4.

GeneDx
Classification: Likely benign. Last evaluated: 2021-06-22. Review status: criteria provided, single submitter. Criteria: GeneDx Variant Classification Process June 2021. Collection method: clinical testing. Allele origin: germline. Affected: yes.
Comment: This variant is associated with the following publications: (PMID: 27535533)

PreventionGenetics, part of Exact Sciences
Classification: Likely benign for CACNA1D-related condition. Last evaluated: 2022-02-18. Review status: no assertion criteria provided. Collection method: clinical testing. Allele origin: germline. Not counted in ClinVar's aggregate classification.
Comment: This variant is classified as likely benign based on ACMG/AMP sequence variant interpretation guidelines (Richards et al. 2015 PMID: 25741868, with internal and published modifications).